The following is an entry in ClinVar:

ClinVar aggregate classification (germline): Uncertain significance (1 of 4 stars; one submission).

Conditions:
Amyotrophic lateral sclerosis type 8 (ALS8). Identifiers: Orphanet 803, MedGen C1837728, MONDO:0012077, OMIM 608627.
Adult-onset proximal spinal muscular atrophy, autosomal dominant. Also called: Spinal muscular atrophy, late-onset, finkel type; FINKEL LATE-ADULT TYPE SMA. Identifiers: Orphanet 209335, MedGen C1854058, MONDO:0008453, OMIM 182980.

Submission:

Labcorp Genetics (formerly Invitae), Labcorp
Classification: Uncertain significance for Adult-onset proximal spinal muscular atrophy, autosomal dominant; Amyotrophic lateral sclerosis type 8. Last evaluated: 2025-11-17. Review status: criteria provided, single submitter. Criteria: Invitae Variant Classification Sherloc (09022015). Collection method: clinical testing. Allele origin: germline.
Comment: This sequence change falls in intron 1 of the VAPB gene. It does not directly change the encoded amino acid sequence of the VAPB protein. It affects a nucleotide within the consensus splice site. This variant is not present in population databases (gnomAD no frequency). This variant has not been reported in the literature in individuals affected with VAPB-related conditions. ClinVar contains an entry for this variant (Variation ID: 2158249). Variants that disrupt the consensus splice site are a relatively common cause of aberrant splicing (PMID: 17576681, 9536098). Algorithms developed to predict the effect of sequence changes on RNA splicing suggest that this variant is not likely to affect RNA splicing. In summary, the available evidence is currently insufficient to determine the role of this variant in disease. Therefore, it has been classified as a Variant of Uncertain Significance.

Literature cited by the submitters: PubMed 17576681; PubMed 9536098.

NM_004738.5(VAPB):c.59-3C>T

Gene: VAPB (VAMP associated protein B and C; plus strand). Cytogenetic location: 20q13.32.
Variant type: single nucleotide variant.
Coding change: c.59-3C>T on transcript NM_004738.5 (MANE Select); 3 bases into the intron before coding-DNA position 59, C replaced by T.
Molecular consequence: intron variant.
Genome position (GRCh38, 1-based): chr20:58,418,208, C>T. VCF-style: chr20-58418208-C-T. GRCh37 (hg19) VCF-style: chr20-56993264-C-T.
Other names: c.59-3C>T (NM_001195677.2).
Identifiers: ClinVar variation 2158249 (VCV002158249.4), dbSNP rs2516032759, ClinGen allele CA2580098292.
Genomic context (GRCh38, chr20:58,418,208, plus strand): 5'-TTTCCACAAACCTTCTAAACTTTCCTCATGAGACCCCCAATCAGTCTCTGTCTCATTCTA[C>T]AGGTCCCTTCACCGATGTTGTCACCACCAACCTAAAGCTTGGCAACCCGACAGACCGAAA-3'